The following is an entry in ClinVar:

ClinVar aggregate classification (germline): Likely pathogenic/Likely pathogenic, low penetrance. Review status: criteria provided, multiple submitters, no conflicts (2 of 4 stars). 2 submissions from 2 submitters: Likely pathogenic (1); Likely pathogenic, low penetrance (1). Last evaluated 2025-09-26.

Conditions:
Factor I deficiency (CFID). Also called: Complement factor I deficiency. Identifiers: Orphanet 200418, MedGen C3463916, MONDO:0012594, OMIM 610984.
CFI-related disorder. Also called: CFI-related condition; CFI-related disorders. Identifiers: MedGen CN239325.

Submissions (2):

Genomenon, Inc
Classification: Likely pathogenic, low penetrance for CFI-related disorder. Last evaluated: 2025-09-26. Review status: criteria provided, single submitter. Criteria: Genomenon Sequence Variant Interpretation Standards - Updated. Collection method: curation. Allele origin: germline. Affected: no.
Comment: CFI p.Asp438ArgfsTer8 (c.1311dup) is a frameshift variant that results in the production of a truncated protein which is predicted to undergo nonsense-mediated mRNA decay. This variant has been reported in the published literature (PMID:35456398;36090499). It is absent or not present at a significant frequency in gnomAD. In conclusion, we classify CFI p.Asp438ArgfsTer8 (c.1311dup) as a likely pathogenic, low penetrance variant.

Dasa
Classification: Likely pathogenic for complement factor I deficiency. Last evaluated: 2025-03-17. Review status: criteria provided, single submitter. Criteria: DASA Assertion Criteria. Collection method: clinical testing. Allele origin: germline.
Comment: NM_000204.5(CFI):c.1311dup (p.Asp438Argfs*8) is a frameshift variant in CFI predicted to alter the reading frame and introduce a premature termination codon and is predicted to result in an absent or altered protein product. Loss of function is an established disease mechanism for CFI-associated disorders. Also, this variant is rare in population databases. Based on the currently available evidence, this variant is classified as likely pathogenic.

Literature cited by the submitters: PubMed 35456398 (cited by Genomenon, Inc); 36090499 (cited by Genomenon, Inc).

NM_000204.5(CFI):c.1311dup (p.Asp438fs)

Gene: CFI (complement factor I; minus strand). Cytogenetic location: 4q25.
Variant type: Duplication.
Coding change: c.1311dup on transcript NM_000204.5 (MANE Select); coding-DNA position 1311, one base duplicated (A; older notation c.1311dupA).
Protein change: p.Asp438fs; shifts the reading frame from aspartic acid 438.
Molecular consequence: frameshift variant. On other transcripts: non-coding transcript variant (2).
Genome position (GRCh38, 1-based): chr4:109,746,340, T duplicated on the plus strand (A on the coding strand, the reverse complement: CFI is on the minus strand); the first of 6 consecutive T bases (chr4:109,746,340-109,746,345); duplicating any one gives the same sequence. VCF-style (leftmost placement, unchanged base first): chr4-109746339-C-CT. GRCh37 (hg19) VCF-style: chr4-110667495-C-CT.
Other names: c.1335dup, p.Asp446fs (NM_001318057.2, NM_001375278.1, NM_001440988.1); c.1290dup, p.Asp431fs (NM_001331035.2, NM_001375280.1, NM_001375282.1 and 1 more transcripts); c.1311dup, p.Asp438fs (NM_001375279.1, NM_001375281.1, NM_001440989.1); c.1254dup, p.Asp419fs (NM_001375283.1); c.702dup, p.Asp235fs (NM_001375284.1); c.1332dup, p.Asp445fs (NM_001440985.1, NM_001440986.1); short protein forms D235fs, D419fs, D431fs, D438fs, D445fs, D446fs.
Identifiers: ClinVar variation 4280481 (VCV004280481.3).